The following is an entry in ClinVar:

ClinVar aggregate classification (germline): Uncertain significance (1 of 4 stars; one submission).

Conditions:
Tolchin-Le Caignec syndrome. Also called: INTELLECTUAL DEVELOPMENTAL DISORDER WITH BEHAVIORAL ABNORMALITIES AND VARIABLE BONE DEFECTS. Identifiers: MedGen C5436509, MONDO:0033544, OMIM 618971.

Submission:

Laboratorio de Genetica e Diagnostico Molecular, Hospital Israelita Albert Einstein
Classification: Uncertain significance for Tolchin-Le Caignec syndrome. Last evaluated: 2025-06-27. Review status: criteria provided, single submitter. Criteria: ACMG Guidelines, 2015. Collection method: clinical testing. Allele origin: germline. Affected: yes.
Comment: ACMG classification criteria: PVS1 moderate, PM2 supporting

NM_001367873.1(SOX6):c.1101+2T>A

Gene: SOX6 (SRY-box transcription factor 6; minus strand). Cytogenetic location: 11p15.2.
Variant type: single nucleotide variant.
Coding change: c.1101+2T>A on transcript NM_001367873.1 (MANE Select); the canonical splice donor site of the intron after coding-DNA position 1101, T replaced by A.
Molecular consequence: splice donor variant. On other transcripts: intron variant (3).
Genome position (GRCh38, 1-based): chr11:16,095,994, A>T on the plus strand (T>A on the coding strand, the complement: SOX6 is on the minus strand). VCF-style: chr11-16095994-A-T. GRCh37 (hg19) VCF-style: chr11-16117540-A-T.
Other names: c.978+1615T>A (NM_001367872.1, NM_001145811.2, NM_017508.3); c.1101+2T>A (NM_033326.3, NM_001145819.2).
Identifiers: ClinVar variation 4846941 (VCV004846941.1).
Genomic context (GRCh38, chr11:16,095,994, plus strand): 5'-CTAGAGTATGACTGAACAATCCAGTCCCCAACCCAATGAAGCATCAATGGAAGCATTCAT[A>T]CCTCAATCTGTTTGTGGTTGTAAGAGTGGCCACCACCATGTTCAAAGGTGTCCAAATTCC-3'